The following is an entry in ClinVar:

ClinVar aggregate classification (germline): Uncertain significance. Review status: criteria provided, multiple submitters, no conflicts (2 of 4 stars). 2 submissions from 2 submitters: Uncertain significance (2). Last evaluated 2025-03-28.

Conditions:
Hereditary cancer-predisposing syndrome. Also called: Neoplastic Syndromes, Hereditary; Tumor predisposition; Hereditary Cancer Syndrome; Hereditary neoplastic syndrome. Identifiers: Orphanet 140162, MedGen C0027672, MeSH D009386, MONDO:0015356.

Submissions (2):

Ambry Genetics
Classification: Uncertain significance for Hereditary cancer-predisposing syndrome. Last evaluated: 2025-03-28. Review status: criteria provided, single submitter. Criteria: Ambry Variant Classification Scheme 2023. Collection method: clinical testing. Allele origin: germline.
Comment: The p.S299A variant (also known as c.895T>G), located in coding exon 8 of the APC gene, results from a T to G substitution at nucleotide position 895. The serine at codon 299 is replaced by alanine, an amino acid with similar properties. This amino acid position is highly conserved in available vertebrate species. In addition, in silico predictors for this gene do not accurately predict pathogenicity. Missense alterations in APC are not a common cause of disease (Spier I et al. Genet Med. 2024 Feb;26(2):100992). Based on the available evidence, the clinical significance of this variant remains unclear.

Color Diagnostics, LLC DBA Color Health
Classification: Uncertain significance for Hereditary cancer-predisposing syndrome. Last evaluated: 2024-03-07. Review status: criteria provided, single submitter. Criteria: ACMG Guidelines, 2015. Collection method: clinical testing. Allele origin: germline.
Comment: This missense variant replaces serine with alanine at codon 299 of the APC protein. Computational prediction suggests that this variant may not impact protein structure and function (internally defined REVEL score threshold <= 0.5, PMID: 27666373). To our knowledge, functional studies have not been reported for this variant. This variant has not been reported in individuals affected with APC-related disorders in the literature. This variant has not been identified in the general population by the Genome Aggregation Database (gnomAD). The available evidence is insufficient to determine the role of this variant in disease conclusively. Therefore, this variant is classified as a Variant of Uncertain Significance.

NM_000038.6(APC):c.895T>G (p.Ser299Ala)

Gene: APC (APC regulator of Wnt signaling pathway; plus strand). Cytogenetic location: 5q22.2.
Variant type: single nucleotide variant.
Coding change: c.895T>G on transcript NM_000038.6 (MANE Select); coding-DNA position 895, T replaced by G.
Protein change: p.Ser299Ala; replaces serine 299 with alanine.
Molecular consequence: missense variant. On other transcripts: non-coding transcript variant (2).
Genome position (GRCh38, 1-based): chr5:112,815,555, T>G. VCF-style: chr5-112815555-T-G. GRCh37 (hg19) VCF-style: chr5-112151252-T-G.
Other names: c.46T>G, p.Ser16Ala (NM_001407470.1, NM_001407471.1, NM_001407472.1 and 1 more transcripts); c.895T>G, p.Ser299Ala (NM_001127510.3, NM_001354895.2, NM_001354896.2 and 12 more transcripts); c.841T>G, p.Ser281Ala (NM_001127511.3); c.925T>G, p.Ser309Ala (NM_001354897.2, NM_001354902.2, NM_001407446.1); c.820T>G, p.Ser274Ala (NM_001354898.2, NM_001354904.2, NM_001407451.1); c.811T>G, p.Ser271Ala (NM_001354899.2, NM_001407452.1, NM_001407467.1 and 1 more transcripts); c.718T>G, p.Ser240Ala (NM_001354900.2, NM_001354901.2, NM_001354905.2 and 1 more transcripts); c.895T>G (NM_000038.5); short protein forms S16A, S309A, S240A, S271A, S281A, S299A, S274A.
Identifiers: ClinVar variation 2774677 (VCV002774677.3), dbSNP rs763630775, ClinGen allele CA16023276.